The following is an entry in ClinVar:

ClinVar aggregate classification (germline): Likely benign (1 of 4 stars; one submission).

gnomAD v4.1: 21 of 1,614,190 alleles (0.0013%); highest among the groups gnomAD compares: Admixed American, 0.017%; no homozygotes.

Submission:

CeGaT Center for Human Genetics Tuebingen
Classification: Likely benign. Last evaluated: 2025-11-01. Review status: criteria provided, single submitter. Criteria: CeGaT Center For Human Genetics Tuebingen Variant Classification Criteria Version 2. Collection method: clinical testing. Allele origin: germline. Affected: yes. Observed: 1 variant allele.
Comment: SPEN: BP4

NM_015001.3(SPEN):c.5750G>A (p.Arg1917His)

Gene: SPEN (spen family transcriptional repressor; plus strand). Cytogenetic location: 1p36.13.
Variant type: single nucleotide variant.
Coding change: c.5750G>A on transcript NM_015001.3 (MANE Select); coding-DNA position 5750, G replaced by A.
Protein change: p.Arg1917His; replaces arginine 1917 with histidine.
Molecular consequence: missense variant.
Genome position (GRCh38, 1-based): chr1:15,931,990, G>A. VCF-style: chr1-15931990-G-A. GRCh37 (hg19) VCF-style: chr1-16258485-G-A.
Other names: short protein forms R1917H.
Identifiers: ClinVar variation 4534499 (VCV004534499.6).